The following is an entry in ClinVar:

NM_005984.5(SLC25A1):c.374T>C (p.Leu125Pro)

Gene: SLC25A1 (solute carrier family 25 member 1; minus strand). Cytogenetic location: 22q11.21.
Variant type: single nucleotide variant.
Coding change: c.374T>C on transcript NM_005984.5 (MANE Select); coding-DNA position 374, T replaced by C.
Protein change: p.Leu125Pro; replaces leucine 125 with proline.
Molecular consequence: missense variant.
Genome position (GRCh38, 1-based): chr22:19,177,794, A>G on the plus strand (T>C on the coding strand, the complement: SLC25A1 is on the minus strand). VCF-style: chr22-19177794-A-G. GRCh37 (hg19) VCF-style: chr22-19165307-A-G.
Other names: c.395T>C, p.Leu132Pro (NM_001256534.2); c.65T>C, p.Leu22Pro (NM_001287387.2); short protein forms L125P, L132P, L22P.
Identifiers: ClinVar variation 3731335 (VCV003731335.1).
Genomic context (GRCh38, chr22:19,177,794, plus strand): 5'-GTCTCCATGGGGCACACGACCACCACGGCCTCGGCCACGCCAGCGCCCAGGCCGCACAGC[A>G]GCCCACGCGTGCTGTCCAGCCGTCCCTGGGCATCCCGCATGTGGTTGCTGAGGAACTCGA-3'
Protein context (NP_005975.1, residues 115-135): AQGRLDSTRG[Leu125Pro]LCGLGAGVAE

ClinVar aggregate classification (germline): Uncertain significance (1 of 4 stars; one submission).

Conditions:
Myasthenic syndrome, congenital, 23, presynaptic. Identifiers: MedGen C4748678, MONDO:0032596, OMIM 618197.

Submission:

Neuberg Centre For Genomic Medicine, NCGM
Classification: Uncertain significance for Myasthenic syndrome, congenital, 23, presynaptic. Last evaluated: 2023-06-22. Review status: criteria provided, single submitter. Criteria: ACMG Guidelines, 2015. Collection method: clinical testing. Allele origin: germline. Inheritance: Autosomal recessive inheritance. Affected: yes.
Comment: The observed missense c.374T>C(p.Leu125Pro) variant in SLC25A1 gene has not been reported previously as a pathogenic variant nor as a benign variant, to our knowledge. This variant is absent in gnomAD Exomes. The amino acid Leu at position 125 is changed to a Pro changing protein sequence and it might alter its composition and physico-chemical properties. The amino acid change p.Leu125Pro in SLC25A1 is predicted as conserved by GERP++ and PhyloP across 100 vertebrates. Multiple lines of computational evidence (Polyphen - Damaging, SIFT - Damaging, and MutationTaster - Disease causing) predict a damaging effect on protein structure and function for this variant. For these reasons, this variant has been classified as Uncertain Significance.